The following is an entry in ClinVar:

NM_001369.3(DNAH5):c.1536+1G>C

Gene: DNAH5 (dynein axonemal heavy chain 5; minus strand). Cytogenetic location: 5p15.2.
Variant type: single nucleotide variant.
Coding change: c.1536+1G>C on transcript NM_001369.3 (MANE Select); the canonical splice donor site of the intron after coding-DNA position 1536, G replaced by C.
Molecular consequence: splice donor variant.
Genome position (GRCh38, 1-based): chr5:13,913,742, C>G on the plus strand (G>C on the coding strand, the complement: DNAH5 is on the minus strand). VCF-style: chr5-13913742-C-G. GRCh37 (hg19) VCF-style: chr5-13913851-C-G.
Identifiers: ClinVar variation 3344980 (VCV003344980.1).
Genomic context (GRCh38, chr5:13,913,742, plus strand): 5'-CATAAAATATTGAAGTTTAGTTGTGGATTATGTTATAAAATATAGCTTTAAAGTACAATA[C>G]CTGGTATTTAGTGGCCATGTCTTCCAGCCCTTCAATTGTGGAATCTTGCAGGACTGAATA-3'

ClinVar aggregate classification (germline): Likely pathogenic (0 of 4 stars; one submission).

Conditions:
DNAH5-related disorder. Also called: DNAH5-related condition.

gnomAD v4.1: 1 of 1,613,134 alleles (0.000062%); highest among the groups gnomAD compares: Non-Finnish European, 0.000085%; no homozygotes.

Submission:

PreventionGenetics, part of Exact Sciences
Classification: Likely pathogenic for DNAH5-related condition. Last evaluated: 2024-09-01. Review status: no assertion criteria provided. Collection method: clinical testing. Allele origin: germline.
Comment: The DNAH5 c.1536+1G>C variant is predicted to disrupt the GT donor site and interfere with normal splicing. To our knowledge, this variant has not been reported in the literature or in a large population database, indicating this variant is rare. Variants that disrupt the consensus splice donor site in DNAH5 are expected to be pathogenic. This variant is interpreted as likely pathogenic.